The following is an entry in ClinVar:

NM_001103.4(ACTN2):c.274A>G (p.Met92Val)

Gene: ACTN2 (actinin alpha 2; plus strand). Cytogenetic location: 1q43.
Variant type: single nucleotide variant.
Coding change: c.274A>G on transcript NM_001103.4 (MANE Select); coding-DNA position 274, A replaced by G.
Protein change: p.Met92Val; replaces methionine 92 with valine.
Molecular consequence: missense variant. On other transcripts: 5 prime UTR variant (1).
Genome position (GRCh38, 1-based): chr1:236,718,926, A>G. VCF-style: chr1-236718926-A-G. GRCh37 (hg19) VCF-style: chr1-236882226-A-G.
Other names: c.274A>G, p.Met92Val (NM_001278343.2); c.-548A>G (NM_001278344.2); short protein forms M92V.
Identifiers: ClinVar variation 945263 (VCV000945263.2), dbSNP rs1658300725, ClinGen allele CA345373513.

ClinVar aggregate classification (germline): Conflicting classifications of pathogenicity. Review status: criteria provided, conflicting classifications (1 of 4 stars). 2 submissions from 2 submitters: Likely pathogenic (1); Uncertain significance (1). Last evaluated 2024-08-01.

Conditions:
Dilated cardiomyopathy 1AA (CMD1AA). Also called: CARDIOMYOPATHY, DILATED, 1AA, WITH OR WITHOUT LEFT VENTRICULAR NONCOMPACTION; CARDIOMYOPATHY, FAMILIAL HYPERTROPHIC, 23, WITH OR WITHOUT LEFT VENTRICULAR NONCOMPACTION; Cardiomyopathy, dilated, 1AA, with or without LVNC. Identifiers: Orphanet 154, MedGen C2677338, MONDO:0012808, OMIM 612158.
Primary familial hypertrophic cardiomyopathy (HCM). Identifiers: Orphanet 99739, MedGen C0949658, MeSH D024741, MONDO:0024573. Inheritance: Various modes of inheritance.
ACTN2-related disorder. Also called: ACTN2-related disorders; ACTN2 related condition.

Submissions (2):

Blueprint Genetics
Classification: Likely pathogenic for ACTN2-related disorders. Last evaluated: 2024-08-01. Review status: criteria provided, single submitter. Criteria: ACMG Guidelines, 2015. Collection method: clinical testing. Allele origin: germline. Affected: yes. Observed: 2 variant alleles.

Labcorp Genetics (formerly Invitae), Labcorp
Classification: Uncertain significance for Primary familial hypertrophic cardiomyopathy; Dilated cardiomyopathy 1AA. Last evaluated: 2019-05-31. Review status: criteria provided, single submitter. Criteria: Invitae Variant Classification Sherloc (09022015). Collection method: clinical testing. Allele origin: germline.
Comment: This sequence change replaces methionine with valine at codon 92 of the ACTN2 protein (p.Met92Val). The methionine residue is highly conserved and there is a small physicochemical difference between methionine and valine. This variant is not present in population databases (ExAC no frequency). This variant has been observed in an individual affected with hypertrophic cardiomyopathy (PMID: 27532257). Algorithms developed to predict the effect of missense changes on protein structure and function are either unavailable or do not agree on the potential impact of this missense change (SIFT: "Deleterious"; PolyPhen-2: "Probably Damaging"; Align-GVGD: "Class C15"). Algorithms developed to predict the effect of sequence changes on RNA splicing suggest that this variant may create or strengthen a splice site, but this prediction has not been confirmed by published transcriptional studies. In summary, the available evidence is currently insufficient to determine the role of this variant in disease. Therefore, it has been classified as a Variant of Uncertain Significance.

Literature cited by the submitters: PubMed 27532257 (cited by Labcorp Genetics (formerly Invitae), Labcorp).